The following is an entry in ClinVar:

ClinVar aggregate classification (germline): Likely pathogenic (1 of 4 stars; one submission).

Conditions:
Smith-Magenis syndrome (SMS). Also called: CHROMOSOME 17p11.2 DELETION SYNDROME. Identifiers: Orphanet 819, MedGen C0795864, MONDO:0008434, OMIM 182290.

Submission:

Institute of Human Genetics, University of Leipzig Medical Center
Classification: Likely pathogenic for Smith-Magenis syndrome. Last evaluated: 2016-11-11. Review status: criteria provided, single submitter. Criteria: ACMG Guidelines, 2015. Collection method: clinical testing. Allele origin: de novo. Affected: yes. Observed: 1 variant allele.
Comment: This variant was identified as de novo (maternity and paternity confirmed).

NM_030665.4(RAI1):c.859C>T (p.Gln287Ter)

Gene: RAI1 (retinoic acid induced 1; plus strand). Cytogenetic location: 17p11.2.
Variant type: single nucleotide variant.
Coding change: c.859C>T on transcript NM_030665.4 (MANE Select); coding-DNA position 859, C replaced by T.
Protein change: p.Gln287Ter; replaces glutamine 287 with a stop codon.
Molecular consequence: nonsense.
Genome position (GRCh38, 1-based): chr17:17,793,807, C>T. VCF-style: chr17-17793807-C-T. GRCh37 (hg19) VCF-style: chr17-17697121-C-T.
Other names: short protein forms Q287*.
Identifiers: ClinVar variation 976409 (VCV000976409.1), dbSNP rs2032121558, ClinGen allele CA398546357.